The following is an entry in ClinVar:

ClinVar aggregate classification (germline): Uncertain significance (1 of 4 stars; one submission).

Submission:

GeneDx
Classification: Uncertain significance. Last evaluated: 2018-02-19. Review status: criteria provided, single submitter. Criteria: GeneDx Variant Classification (06012015). Collection method: clinical testing. Allele origin: germline. Affected: yes.
Comment: The c.2815+17 C>G variant has not been published as a pathogenic variant, nor has it been reported as a benign variant to our knowledge. The c.2815+17 C>G variant is not observed in large population cohorts (Lek et al., 2016). Several in silico splice prediction models predict that c.2815+17 C>G creates a cryptic donor site which may supplant the natural donor site and lead to abnormal gene splicing. However, in the absence of RNA/functional studies, the actual effect of this sequence change in this individual is unknown. Therefore, based on the currently available information, it is unclear whether this variant is a pathogenic variant or a rare benign variant.

NM_002637.4(PHKA1):c.2815+17C>G

Gene: PHKA1 (phosphorylase kinase regulatory subunit alpha 1; minus strand). Cytogenetic location: Xq13.1.
Variant type: single nucleotide variant.
Coding change: c.2815+17C>G on transcript NM_002637.4 (MANE Select); 17 bases into the intron after coding-DNA position 2815, C replaced by G.
Molecular consequence: intron variant.
Genome position (GRCh38, 1-based): chrX:72,605,254, G>C on the plus strand (C>G on the coding strand, the complement: PHKA1 is on the minus strand). VCF-style: chrX-72605254-G-C. GRCh37 (hg19) VCF-style: chrX-71825104-G-C.
Other names: c.2638+17C>G (NM_001172436.2); c.2815+17C>G (NM_001122670.2).
Identifiers: ClinVar variation 504308 (VCV000504308.2), dbSNP rs782148009, ClinGen allele CA658799798.